The following is an entry in ClinVar:

ClinVar aggregate classification (germline): Uncertain significance (1 of 4 stars; one submission).

Submission:

CeGaT Center for Human Genetics Tuebingen
Classification: Uncertain significance. Last evaluated: 2024-11-01. Review status: criteria provided, single submitter. Criteria: CeGaT Center For Human Genetics Tuebingen Variant Classification Criteria Version 2. Collection method: clinical testing. Allele origin: germline. Affected: yes. Observed: 1 variant allele.
Comment: KMT2B: PM2, BP4

NM_014727.3(KMT2B):c.5485C>T (p.Pro1829Ser)

Gene: KMT2B (lysine methyltransferase 2B; plus strand). Cytogenetic location: 19q13.12.
Variant type: single nucleotide variant.
Coding change: c.5485C>T on transcript NM_014727.3 (MANE Select); coding-DNA position 5485, C replaced by T.
Protein change: p.Pro1829Ser; replaces proline 1829 with serine.
Molecular consequence: missense variant.
Genome position (GRCh38, 1-based): chr19:35,731,955, C>T. VCF-style: chr19-35731955-C-T. GRCh37 (hg19) VCF-style: chr19-36222856-C-T.
Other names: short protein forms P1829S.
Identifiers: ClinVar variation 3389160 (VCV003389160.14).